The following is an entry in ClinVar:

NM_001478.5(B4GALNT1):c.996C>T (p.Phe332=)

Gene: B4GALNT1 (beta-1,4-N-acetyl-galactosaminyltransferase 1; minus strand). Cytogenetic location: 12q13.3.
Variant type: single nucleotide variant.
Coding change: c.996C>T on transcript NM_001478.5 (MANE Select); coding-DNA position 996, C replaced by T.
Protein change: p.Phe332=; no amino-acid change (phenylalanine 332 retained).
Molecular consequence: synonymous variant.
Genome position (GRCh38, 1-based): chr12:57,628,719, G>A on the plus strand (C>T on the coding strand, the complement: B4GALNT1 is on the minus strand). VCF-style: chr12-57628719-G-A. GRCh37 (hg19) VCF-style: chr12-58022502-G-A.
Other names: c.831C>T, p.Phe277= (NM_001276468.2).
Identifiers: ClinVar variation 695517 (VCV000695517.45), dbSNP rs376140415, ClinGen allele CA6655579.

ClinVar aggregate classification (germline): Likely benign. Review status: criteria provided, multiple submitters, no conflicts (2 of 4 stars). 3 submissions from 3 submitters: Likely benign (2). 1 of the submissions does not count toward it. Last evaluated 2025-11-10.

Conditions:
B4GALNT1-related disorder. Also called: B4GALNT1-related condition.
Spastic paraplegia. Identifiers: MedGen C0037772, HP:0001258.

Allele frequency attached by ClinVar (database versions not stated): ExAC 0.00022; gnomAD exomes 0.00022; gnomAD 0.00023 and 0.00025; TOPMed 0.00025; ESP Exome Variant Server 0.00031.
gnomAD v4.1: 913 of 1,614,080 alleles (0.057%); highest among the groups gnomAD compares: Non-Finnish European, 0.075%; no homozygotes.

Submissions (3):

Labcorp Genetics (formerly Invitae), Labcorp
Classification: Likely benign for Spastic paraplegia. Last evaluated: 2025-11-10. Review status: criteria provided, single submitter. Criteria: Invitae Variant Classification Sherloc (09022015). Collection method: clinical testing. Allele origin: germline.

CeGaT Center for Human Genetics Tuebingen
Classification: Likely benign. Last evaluated: 2025-01-01. Review status: criteria provided, single submitter. Criteria: CeGaT Center For Human Genetics Tuebingen Variant Classification Criteria Version 2. Collection method: clinical testing. Allele origin: germline. Affected: yes. Observed: 5 variant alleles.
Comment: B4GALNT1: BP4, BP7

PreventionGenetics, part of Exact Sciences
Classification: Likely benign for B4GALNT1-related condition. Last evaluated: 2019-08-06. Review status: no assertion criteria provided. Collection method: clinical testing. Allele origin: germline. Not counted in ClinVar's aggregate classification.
Comment: This variant is classified as likely benign based on ACMG/AMP sequence variant interpretation guidelines (Richards et al. 2015 PMID: 25741868, with internal and published modifications).